The following is an entry in ClinVar:

ClinVar aggregate classification (germline): Uncertain significance. Review status: criteria provided, multiple submitters, no conflicts (2 of 4 stars). 2 submissions from 2 submitters: Uncertain significance (2). Last evaluated 2025-10-29.

Conditions:
Spastic paraplegia. Identifiers: MedGen C0037772, HP:0001258.

Allele frequency attached by ClinVar (database versions not stated): gnomAD exomes 0.00001; TOPMed 0.00001.
gnomAD v4.1: 3 of 1,210,980 alleles (0.00025%); highest among the groups gnomAD compares: East Asian, 0.003%; no homozygotes.

Submissions (2):

Women's Health and Genetics/Laboratory Corporation of America, LabCorp
Classification: Uncertain significance. Last evaluated: 2025-10-29. Review status: criteria provided, single submitter. Criteria: LabCorp Variant Classification Summary - May 2015. Collection method: clinical testing. Allele origin: germline.
Comment: Variant summary: L1CAM c.3100G>A (p.Val1034Ile) results in a conservative amino acid change in the encoded protein sequence. Algorithms developed to predict the effect of missense changes on protein structure and function all suggest that this variant is likely to be tolerated. The variant was absent in 183473 control chromosomes. The available data on variant occurrences in the general population are insufficient to allow any conclusion about variant significance. c.3100G>A has been observed in individual(s) affected with Developmental disability and Autism (Kaplanis_2020, Zhou_2022). These report(s) do not provide unequivocal conclusions about association of the variant with L1 Syndrome. To our knowledge, no experimental evidence demonstrating an impact on protein function has been reported. The following publications have been ascertained in the context of this evaluation (PMID: 33057194, 35982159). ClinVar contains an entry for this variant (Variation ID: 2064786). Based on the evidence outlined above, the variant was classified as uncertain significance.

Labcorp Genetics (formerly Invitae), Labcorp
Classification: Uncertain significance for Spastic paraplegia. Last evaluated: 2024-10-20. Review status: criteria provided, single submitter. Criteria: Invitae Variant Classification Sherloc (09022015). Collection method: clinical testing. Allele origin: germline.
Comment: This sequence change replaces valine, which is neutral and non-polar, with isoleucine, which is neutral and non-polar, at codon 1034 of the L1CAM protein (p.Val1034Ile). This variant is not present in population databases (gnomAD no frequency). This missense change has been observed in individual(s) with neurodevelopmental disorders (PMID: 33057194, 35982159). ClinVar contains an entry for this variant (Variation ID: 2064786). Invitae Evidence Modeling of protein sequence and biophysical properties (such as structural, functional, and spatial information, amino acid conservation, physicochemical variation, residue mobility, and thermodynamic stability) indicates that this missense variant is not expected to disrupt L1CAM protein function with a negative predictive value of 95%. In summary, the available evidence is currently insufficient to determine the role of this variant in disease. Therefore, it has been classified as a Variant of Uncertain Significance.

Literature cited by the submitters: PubMed 35982159 (cited by Women's Health and Genetics/Laboratory Corporation of America, LabCorp and Labcorp Genetics (formerly Invitae), Labcorp); PubMed 33057194 (cited by Women's Health and Genetics/Laboratory Corporation of America, LabCorp and Labcorp Genetics (formerly Invitae), Labcorp).

NM_001278116.2(L1CAM):c.3100G>A (p.Val1034Ile)

Gene: L1CAM (L1 cell adhesion molecule; minus strand). Cytogenetic location: Xq28.
Variant type: single nucleotide variant.
Coding change: c.3100G>A on transcript NM_001278116.2 (MANE Select); coding-DNA position 3100, G replaced by A.
Protein change: p.Val1034Ile; replaces valine 1034 with isoleucine.
Molecular consequence: missense variant.
Genome position (GRCh38, 1-based): chrX:153,864,651, C>T on the plus strand (G>A on the coding strand, the complement: L1CAM is on the minus strand). VCF-style: chrX-153864651-C-T. GRCh37 (hg19) VCF-style: chrX-153130106-C-T.
Other names: c.3100G>A, p.Val1034Ile (NM_000425.5, NM_024003.3); c.3085G>A, p.Val1029Ile (NM_001143963.2); short protein forms V1029I, V1034I.
Identifiers: ClinVar variation 2064786 (VCV002064786.4), dbSNP rs200453445, ClinGen allele CA337258326.